The following is an entry in ClinVar:

ClinVar aggregate classification (germline): Uncertain significance. Review status: criteria provided, multiple submitters, no conflicts (2 of 4 stars). 2 submissions from 2 submitters: Uncertain significance (2). Last evaluated 2025-05-31.

Conditions:
Renal cell carcinoma. Identifiers: Orphanet 217071, MedGen C0007134, MeSH D002292, MONDO:0005086, HP:0005584.
Hereditary cancer-predisposing syndrome. Also called: Hereditary neoplastic syndrome; Tumor predisposition; Neoplastic Syndromes, Hereditary; Hereditary Cancer Syndrome. Identifiers: Orphanet 140162, MedGen C0027672, MeSH D009386, MONDO:0015356.

Allele frequency attached by ClinVar (database versions not stated): TOPMed below 0.00001.
gnomAD v4.1: 1 of 1,613,900 alleles (0.000062%); highest among the groups gnomAD compares: Non-Finnish European, 0.000085%; no homozygotes.

Submissions (2):

Ambry Genetics
Classification: Uncertain significance for Hereditary cancer-predisposing syndrome. Last evaluated: 2025-05-31. Review status: criteria provided, single submitter. Criteria: Ambry Variant Classification Scheme 2023. Collection method: clinical testing. Allele origin: germline.
Comment: The p.Q809H variant (also known as c.2427A>T), located in coding exon 10 of the MET gene, results from an A to T substitution at nucleotide position 2427. The glutamine at codon 809 is replaced by histidine, an amino acid with highly similar properties. This amino acid position is conserved. In addition, this alteration is predicted to be tolerated by in silico analysis. Since supporting evidence is limited at this time, the clinical significance of this alteration remains unclear.

Labcorp Genetics (formerly Invitae), Labcorp
Classification: Uncertain significance for Renal cell carcinoma. Last evaluated: 2024-04-30. Review status: criteria provided, single submitter. Criteria: Invitae Variant Classification Sherloc (09022015). Collection method: clinical testing. Allele origin: germline.
Comment: This sequence change replaces glutamine, which is neutral and polar, with histidine, which is basic and polar, at codon 809 of the MET protein (p.Gln809His). This variant is not present in population databases (gnomAD no frequency). This variant has not been reported in the literature in individuals affected with MET-related conditions. ClinVar contains an entry for this variant (Variation ID: 655457). Advanced modeling of protein sequence and biophysical properties (such as structural, functional, and spatial information, amino acid conservation, physicochemical variation, residue mobility, and thermodynamic stability) performed at Invitae indicates that this missense variant is not expected to disrupt MET protein function with a negative predictive value of 80%. In summary, the available evidence is currently insufficient to determine the role of this variant in disease. Therefore, it has been classified as a Variant of Uncertain Significance.

NM_000245.4(MET):c.2373A>T (p.Gln791His)

Gene: MET (MET proto-oncogene, receptor tyrosine kinase; plus strand). Cytogenetic location: 7q31.2.
Variant type: single nucleotide variant.
Coding change: c.2373A>T on transcript NM_000245.4 (MANE Select); coding-DNA position 2373, A replaced by T.
Protein change: p.Gln791His; replaces glutamine 791 with histidine.
Molecular consequence: missense variant.
Genome position (GRCh38, 1-based): chr7:116,763,058, A>T. VCF-style: chr7-116763058-A-T. GRCh37 (hg19) VCF-style: chr7-116403112-A-T.
Other names: c.2427A>T, p.Gln809His (NM_001127500.3); c.2373A>T, p.Gln791His (NM_001324401.3); c.1083A>T, p.Gln361His (NM_001324402.2); short protein forms Q791H, Q809H, Q361H.
Identifiers: ClinVar variation 655457 (VCV000655457.13), dbSNP rs760294359, ClinGen allele CA368982826.